The following is an entry in ClinVar:

NM_001103.4(ACTN2):c.2566delinsGA (p.Pro856fs)

Gene: ACTN2 (actinin alpha 2; plus strand). Cytogenetic location: 1q43.
Variant type: Indel.
Coding change: c.2566delinsGA on transcript NM_001103.4 (MANE Select); coding-DNA position 2566, C replaced by GA.
Protein change: p.Pro856fs; shifts the reading frame from proline 856.
Molecular consequence: frameshift variant. On other transcripts: non-coding transcript variant (1).
Genome position (GRCh38, 1-based): chr1:236,762,500, C replaced by GA. VCF-style: chr1-236762500-C-GA. GRCh37 (hg19) VCF-style: chr1-236925800-C-GA.
Other names: c.2566delinsGA, p.Pro856fs (NM_001278343.2); short protein forms P856fs.
Identifiers: ClinVar variation 4820383 (VCV004820383.1).
Genomic context (GRCh38, chr1:236,762,500, plus strand): 5'-CACGTGTGTATTTTTTCCCAGCCATACATCCTGGCGGAGGAGCTGCGTCGGGAGCTGCCC[C>GA]CGGATCAGGCCCAGTACTGCATCAAGAGGATGCCCGCCTACTCGGGCCCAGGCAGTGTGC-3'

ClinVar aggregate classification (germline): Likely pathogenic (1 of 4 stars; one submission).

Conditions:
Cardiovascular phenotype. Identifiers: MedGen CN230736.

Submission:

Molecular Diagnostic Laboratory for Inherited Cardiovascular Disease, Montreal Heart Institute
Classification: Likely pathogenic for Cardiovascular phenotype. Last evaluated: 2025-09-16. Review status: criteria provided, single submitter. Criteria: ACMG Guidelines, 2015. Collection method: clinical testing. Allele origin: germline. Affected: yes.
Comment: PVS1_strong, PM2